The following is an entry in ClinVar:

ClinVar aggregate classification (germline): Likely pathogenic (1 of 4 stars; one submission).

Conditions:
Pancytopenia-developmental delay syndrome. Also called: Bone marrow failure syndrome 2. Identifiers: Orphanet 401764, MedGen C3810350, MONDO:0014317, OMIM 615715.

Submission:

Johns Hopkins Genomics, Johns Hopkins University
Classification: Likely pathogenic for Pancytopenia-developmental delay syndrome. Last evaluated: 2024-03-07. Review status: criteria provided, single submitter. Criteria: ACMG Guidelines, 2015. Collection method: clinical testing. Allele origin: germline.
Comment: This ERCC6L2 variant (rs1832431984) is rare (<0.1%) in a large population dataset (gnomAD v4.0.0: 1/152104 total alleles; 0.0007%; no homozygotes). It has not been reported in ClinVar, nor the literature, to our knowledge. This frameshift variant results in a premature stop codon in exon 16 of 19, likely leading to nonsense-mediated decay and lack of protein production. We consider c.2195_2198del in ERCC6L2 to be likely pathogenic.

Literature cited by the submitters: PubMed 36790458.

NM_020207.7(ERCC6L2):c.2195_2198del (p.Asp732fs)

Gene: ERCC6L2 (ERCC excision repair 6 like 2; plus strand). Cytogenetic location: 9q22.32.
Variant type: Deletion.
Coding change: c.2195_2198del on transcript NM_020207.7 (MANE Select); coding-DNA positions 2195 to 2198, 4 bases deleted (ACTG; older notation c.2195_2198delACTG).
Protein change: p.Asp732fs; shifts the reading frame from aspartic acid 732.
Molecular consequence: frameshift variant. On other transcripts: non-coding transcript variant (1).
Genome position (GRCh38, 1-based): chr9:95,971,946-95,971,949, ACTG deleted; deleting any 4 consecutive bases within chr9:95,971,943-95,971,949 gives the same sequence; the c. name uses the placement nearest the transcript's 3' end. VCF-style (leftmost placement, unchanged base first): chr9-95971942-CCTGA-C. GRCh37 (hg19) VCF-style: chr9-98734224-CCTGA-C.
Other names: c.2195_2198del, p.Asp732fs (NM_001375291.1, NM_001375292.1, NM_001375293.1 and 1 more transcripts); short protein forms D732fs.
Identifiers: ClinVar variation 4280022 (VCV004280022.1).